The following is an entry in ClinVar:

NM_000083.3(CLCN1):c.712A>T (p.Ile238Phe)

Gene: CLCN1 (chloride voltage-gated channel 1; plus strand). Cytogenetic location: 7q34.
Variant type: single nucleotide variant.
Coding change: c.712A>T on transcript NM_000083.3 (MANE Select); coding-DNA position 712, A replaced by T.
Protein change: p.Ile238Phe; replaces isoleucine 238 with phenylalanine.
Molecular consequence: missense variant. On other transcripts: non-coding transcript variant (1).
Genome position (GRCh38, 1-based): chr7:143,323,324, A>T. VCF-style: chr7-143323324-A-T. GRCh37 (hg19) VCF-style: chr7-143020417-A-T.
Other names: short protein forms I238F.
Identifiers: ClinVar variation 1716742 (VCV001716742.3), dbSNP rs765718767, ClinGen allele CA4537061.

ClinVar aggregate classification (germline): Uncertain significance (1 of 4 stars; one submission).

Conditions:
Congenital myotonia, autosomal dominant form (THD). Also called: THOMSEN DISEASE; Myotonia congenita autosomal dominant. Identifiers: Orphanet 614, MedGen C2936781, MONDO:0008055, OMIM 160800.
Congenital myotonia, autosomal recessive form. Also called: BECKER DISEASE; myotonia congenita, autosomal recessive; Becker Generalized Myotonia. Identifiers: Orphanet 614, MedGen C0751360, MONDO:0009715, OMIM 255700.

gnomAD v4.1: 1 of 1,612,466 alleles (0.000062%); highest among the groups gnomAD compares: Non-Finnish European, 0.000085%; no homozygotes.

Submission:

Labcorp Genetics (formerly Invitae), Labcorp
Classification: Uncertain significance for Congenital myotonia, autosomal recessive form; Congenital myotonia, autosomal dominant form. Last evaluated: 2022-07-17. Review status: criteria provided, single submitter. Criteria: Invitae Variant Classification Sherloc (09022015). Collection method: clinical testing. Allele origin: germline.
Comment: This sequence change replaces isoleucine, which is neutral and non-polar, with phenylalanine, which is neutral and non-polar, at codon 238 of the CLCN1 protein (p.Ile238Phe). This variant is present in population databases (rs765718767, gnomAD 0.0009%). This variant has not been reported in the literature in individuals affected with CLCN1-related conditions. Advanced modeling of protein sequence and biophysical properties (such as structural, functional, and spatial information, amino acid conservation, physicochemical variation, residue mobility, and thermodynamic stability) performed at Invitae indicates that this missense variant is expected to disrupt CLCN1 protein function. In summary, the available evidence is currently insufficient to determine the role of this variant in disease. Therefore, it has been classified as a Variant of Uncertain Significance.